The following is an entry in ClinVar:

ClinVar aggregate classification (germline): Uncertain significance (0 of 4 stars; one submission).

Conditions:
GNAS-related disorder. Identifiers: MedGen CN380105.

Submission:

PreventionGenetics, part of Exact Sciences
Classification: Uncertain significance for GNAS-related condition. Last evaluated: 2024-01-02. Review status: no assertion criteria provided. Collection method: clinical testing. Allele origin: germline.
Comment: The GNAS c.245C>G variant is predicted to result in the amino acid substitution p.Ser82Trp. To our knowledge, this variant has not been reported in the literature or in a large population database, indicating this variant is rare. At this time, the clinical significance of this variant is uncertain due to the absence of conclusive functional and genetic evidence.

NM_016592.5(GNAS):c.245C>G (p.Ser82Trp)

Genes: GNAS (GNAS complex locus; plus strand), GNAS-AS1 (GNAS antisense RNA 1; minus strand). Cytogenetic location: 20q13.32.
Variant type: single nucleotide variant.
Coding change: c.245C>G on transcript NM_016592.5 (MANE Plus Clinical); coding-DNA position 245, C replaced by G.
Protein change: p.Ser82Trp; replaces serine 82 with tryptophan.
Molecular consequence: missense variant. On other transcripts: 5 prime UTR variant (1).
Genome position (GRCh38, 1-based): chr20:58,840,351, C>G. VCF-style: chr20-58840351-C-G. GRCh37 (hg19) VCF-style: chr20-57415406-C-G.
Other names: c.-493C>G (NM_001410912.1); short protein forms S82W.
Identifiers: ClinVar variation 3348546 (VCV003348546.1).